The following is an entry in ClinVar:

NM_001401501.2(MUC16):c.39102C>T (p.Phe13034=)

Gene: MUC16 (mucin 16, cell surface associated; minus strand). Cytogenetic location: 19p13.2.
Variant type: single nucleotide variant.
Coding change: c.39102C>T on transcript NM_001401501.2 (MANE Select); coding-DNA position 39102, C replaced by T.
Protein change: p.Phe13034=; no amino-acid change (phenylalanine 13034 retained).
Molecular consequence: synonymous variant.
Genome position (GRCh38, 1-based): chr19:8,900,326, G>A on the plus strand (C>T on the coding strand, the complement: MUC16 is on the minus strand). VCF-style: chr19-8900326-G-A. GRCh37 (hg19) VCF-style: chr19-9011002-G-A.
Other names: c.39528C>T, p.Phe13176= (NM_001414686.1); c.38982C>T, p.Phe12994= (NM_001414687.1); c.38916C>T, p.Phe12972= (NM_024690.2).
Identifiers: ClinVar variation 3041422 (VCV003041422.2), dbSNP rs374640134, ClinGen allele CA9164324.

ClinVar aggregate classification (germline): Likely benign (0 of 4 stars; one submission).

Conditions:
MUC16-related disorder. Also called: MUC16-related condition.

Allele frequency attached by ClinVar (database versions not stated): gnomAD exomes 0.00007; ESP Exome Variant Server 0.00008; ExAC 0.00011; 1000 Genomes Project 30x 0.00016; gnomAD 0.00016; TOPMed 0.00019; 1000 Genomes Project 0.00020.

Submission:

PreventionGenetics, part of Exact Sciences
Classification: Likely benign for MUC16-related condition. Last evaluated: 2019-03-04. Review status: no assertion criteria provided. Collection method: clinical testing. Allele origin: germline.
Comment: This variant is classified as likely benign based on ACMG/AMP sequence variant interpretation guidelines (Richards et al. 2015 PMID: 25741868, with internal and published modifications).